The following is an entry in ClinVar:

ClinVar aggregate classification (germline): Uncertain significance. Review status: criteria provided, multiple submitters, no conflicts (2 of 4 stars). 6 submissions from 6 submitters: Uncertain significance (6). Last evaluated 2025-10-22.

Conditions:
PKHD1-related disorder. Also called: PKHD1-related condition.
Autosomal recessive polycystic kidney disease (ARPKD). Also called: AR polycystic kidney disease. Identifiers: Orphanet 731, Orphanet 8378, MedGen C0085548, MeSH D017044, MONDO:0009889.
Inborn genetic diseases. Identifiers: MedGen C0950123, MeSH D030342.

Allele frequency attached by ClinVar (database versions not stated): ExAC 0.00001; gnomAD exomes 0.00001.
gnomAD v4.1: 16 of 1,614,046 alleles (0.00099%); highest among the groups gnomAD compares: Middle Eastern, 0.016%; no homozygotes.

Submissions (6):

PreventionGenetics, part of Exact Sciences
Classification: Uncertain significance for PKHD1-related condition. Last evaluated: 2025-10-22. Review status: criteria provided, single submitter. Criteria: ACMG Guidelines, 2015. Collection method: clinical testing. Allele origin: germline.
Comment: The PKHD1 c.4130A>C variant is predicted to result in the amino acid substitution p.Asn1377Thr. To our knowledge, this variant has not been reported in the literature. This variant is reported in 0.0018% of alleles in individuals of European (Non-Finnish) descent in gnomAD. At this time, the clinical significance of this variant is uncertain due to the absence of conclusive functional and genetic evidence.

Ambry Genetics
Classification: Uncertain significance for Inborn genetic diseases. Last evaluated: 2022-09-14. Review status: criteria provided, single submitter. Criteria: Ambry Variant Classification Scheme 2023. Collection method: clinical testing. Allele origin: germline.

Labcorp Genetics (formerly Invitae), Labcorp
Classification: Uncertain significance for Autosomal recessive polycystic kidney disease. Last evaluated: 2021-08-31. Review status: criteria provided, single submitter. Criteria: Invitae Variant Classification Sherloc (09022015). Collection method: clinical testing. Allele origin: germline.
Comment: This sequence change replaces asparagine with threonine at codon 1377 of the PKHD1 protein (p.Asn1377Thr). The asparagine residue is moderately conserved and there is a small physicochemical difference between asparagine and threonine. This variant is present in population databases (rs773345692, ExAC 0.001%). This variant has not been reported in the literature in individuals affected with PKHD1-related conditions. ClinVar contains an entry for this variant (Variation ID: 286356). Algorithms developed to predict the effect of missense changes on protein structure and function (SIFT, PolyPhen-2, Align-GVGD) all suggest that this variant is likely to be tolerated. In summary, the available evidence is currently insufficient to determine the role of this variant in disease. Therefore, it has been classified as a Variant of Uncertain Significance.

Illumina Laboratory Services, Illumina
Classification: Uncertain significance for Polycystic kidney disease 4. Last evaluated: 2018-01-12. Review status: criteria provided, single submitter. Criteria: ICSL Variant Classification Criteria 13 December 2019. Collection method: clinical testing. Allele origin: germline.

Eurofins Ntd Llc (ga)
Classification: Uncertain significance. Last evaluated: 2016-02-25. Review status: criteria provided, single submitter. Criteria: EGL Classification Definitions 2015. Collection method: clinical testing. Allele origin: germline. Observed: 1 variant allele, 1 heterozygote.

Breakthrough Genomics
Classification: Uncertain significance. Review status: criteria provided, single submitter. Criteria: ACMG Guidelines, 2015. Collection method: not provided. Allele origin: germline. Inheritance: Autosomal recessive inheritance. Affected: yes.

NM_138694.4(PKHD1):c.4130A>C (p.Asn1377Thr)

Gene: PKHD1 (PKHD1 ciliary IPT domain containing fibrocystin/polyductin; minus strand). Cytogenetic location: 6p12.2.
Variant type: single nucleotide variant.
Coding change: c.4130A>C on transcript NM_138694.4 (MANE Select); coding-DNA position 4130, A replaced by C.
Protein change: p.Asn1377Thr; replaces asparagine 1377 with threonine.
Molecular consequence: missense variant.
Genome position (GRCh38, 1-based): chr6:52,025,680, T>G on the plus strand (A>C on the coding strand, the complement: PKHD1 is on the minus strand). VCF-style: chr6-52025680-T-G. GRCh37 (hg19) VCF-style: chr6-51890478-T-G.
Other names: c.4130A>C, p.Asn1377Thr (NM_170724.3); short protein forms N1377T.
Identifiers: ClinVar variation 286356 (VCV000286356.13), dbSNP rs773345692, ClinGen allele CA3852773.
Genomic context (GRCh38, chr6:52,025,680, plus strand): 5'-GATGGGAAGATGGCCATTATCCGAGGCATCACTGCAAATTGCTGGAGCACCACAGACATA[T>G]TAGCAAATCCCATCTGCTTCTGACGTACTTGGAGAGGATAGATGCCAGCCTCCAGACTGT-3'
Protein context (NP_619639.3, residues 1367-1387): QVRQKQMGFA[Asn1377Thr]MSVVLQQFAV